The following is an entry in ClinVar:

ClinVar aggregate classification (germline): Benign/Likely benign. Review status: criteria provided, multiple submitters, no conflicts (2 of 4 stars). 4 submissions from 4 submitters: Benign (2); Likely benign (2). Last evaluated 2026-08-01.

Conditions:
Hereditary sensory and autonomic neuropathy type 6. Also called: HSAN VI; Neuropathy, hereditary sensory and autonomic, type VI. Identifiers: Orphanet 314381, MedGen C3539003, MONDO:0013839, OMIM 614653.
Epidermolysis bullosa simplex 3, localized or generalized intermediate, with BP230 deficiency (EBS3). Also called: Epidermolysis bullosa simplex, autosomal recessive 2; Epidermolysis bullosa simplex due to BP230 deficiency. Identifiers: Orphanet 412181, MedGen C3809470, MONDO:0014180, OMIM 615425.

Allele frequency attached by ClinVar (database versions not stated): TOPMed 0.00244; 1000 Genomes Project 30x 0.00265; gnomAD 0.00280 and 0.00306; ESP Exome Variant Server 0.00292; 1000 Genomes Project 0.00300; gnomAD exomes 0.00434; ExAC 0.00484.
gnomAD v4.1: 7,042 of 1,614,142 alleles (0.44%); highest among the groups gnomAD compares: South Asian, 1.1%; 36 homozygotes.

Submissions (4):

CeGaT Center for Human Genetics Tuebingen
Classification: Benign. Last evaluated: 2026-08-01. Review status: criteria provided, single submitter. Criteria: CeGaT Center For Human Genetics Tuebingen Variant Classification Criteria Version 2. Collection method: clinical testing. Allele origin: germline. Affected: yes. Observed: 17 variant alleles.
Comment: DST: BP4, BS1, BS2

Labcorp Genetics (formerly Invitae), Labcorp
Classification: Benign for Epidermolysis bullosa simplex 3, localized or generalized intermediate, with BP230 deficiency; Hereditary sensory and autonomic neuropathy type 6. Last evaluated: 2026-02-01. Review status: criteria provided, single submitter. Criteria: Invitae Variant Classification Sherloc (09022015). Collection method: clinical testing. Allele origin: germline.

GeneDx
Classification: Likely benign. Last evaluated: 2022-12-04. Review status: criteria provided, single submitter. Criteria: GeneDx Variant Classification Process June 2021. Collection method: clinical testing. Allele origin: germline. Affected: yes.
Comment: See Variant Classification Assertion Criteria.

Center for Pediatric Genomic Medicine, Children's Mercy Hospital and Clinics
Classification: Likely benign. Last evaluated: 2017-07-25. Review status: criteria provided, single submitter. Criteria: ACMG Guidelines, 2015. Collection method: clinical testing. Allele origin: germline.

NM_001723.7(DST):c.5909T>C (p.Phe1970Ser)

Gene: DST (dystonin; minus strand). Cytogenetic location: 6p12.1.
Variant type: single nucleotide variant.
Coding change: c.5909T>C on transcript NM_001723.7 (MANE Plus Clinical); coding-DNA position 5909, T replaced by C.
Protein change: p.Phe1970Ser; replaces phenylalanine 1970 with serine.
Molecular consequence: missense variant. On other transcripts: intron variant (10).
Genome position (GRCh38, 1-based): chr6:56,618,125, A>G on the plus strand (T>C on the coding strand, the complement: DST is on the minus strand). VCF-style: chr6-56618125-A-G. GRCh37 (hg19) VCF-style: chr6-56482923-A-G.
Other names: c.4831-3641T>C (NM_001144769.5); c.4930-3641T>C (NM_001374722.1, NM_001374736.1); c.4957-3641T>C (NM_001374734.1); c.4417-3641T>C (NM_001144770.2); c.4297-3641T>C (NM_001374730.1, NM_001386100.1, NM_183380.4 and 1 more transcripts); c.3319-3641T>C (NM_015548.5); short protein forms F1970S.
Identifiers: ClinVar variation 357561 (VCV000357561.58), dbSNP rs141573097, ClinGen allele CA3870284.